The following is an entry in ClinVar:

ClinVar aggregate classification (germline): Uncertain significance. Review status: criteria provided, multiple submitters, no conflicts (2 of 4 stars). 2 submissions from 2 submitters: Uncertain significance (2). Last evaluated 2022-05-24.

Conditions:
Pierson syndrome. Also called: MICROCORIA-CONGENITAL NEPHROTIC SYNDROME. Identifiers: Orphanet 2670, MedGen C1836876, MONDO:0012184, OMIM 609049.
LAMB2-related infantile-onset nephrotic syndrome. Also called: Nephrotic Syndrome, type 5; NEPHROTIC SYNDROME, TYPE 5, WITHOUT OCULAR ABNORMALITIES; NEPHROTIC SYNDROME, TYPE 5, WITH OCULAR ABNORMALITIES. Identifiers: Orphanet 306507, MedGen C3280113, MONDO:0013621, OMIM 614199.

Allele frequency attached by ClinVar (database versions not stated): ExAC 0.00002; gnomAD 0.00003; gnomAD exomes 0.00005 and 0.00006; TOPMed 0.00005; ESP Exome Variant Server 0.00008.
gnomAD v4.1: 97 of 1,613,882 alleles (0.006%); highest among the groups gnomAD compares: Non-Finnish European, 0.0074%; no homozygotes.

Submissions (2):

GeneDx
Classification: Uncertain significance. Last evaluated: 2022-05-24. Review status: criteria provided, single submitter. Criteria: GeneDx Variant Classification Process June 2021. Collection method: clinical testing. Allele origin: germline. Affected: yes.
Comment: In silico analysis supports that this missense variant has a deleterious effect on protein structure/function; Has not been previously published as pathogenic or benign to our knowledge

Labcorp Genetics (formerly Invitae), Labcorp
Classification: Uncertain significance for LAMB2-related infantile-onset nephrotic syndrome; Pierson syndrome. Last evaluated: 2022-03-28. Review status: criteria provided, single submitter. Criteria: Invitae Variant Classification Sherloc (09022015). Collection method: clinical testing. Allele origin: germline.
Comment: Algorithms developed to predict the effect of missense changes on protein structure and function (SIFT, PolyPhen-2, Align-GVGD) all suggest that this variant is likely to be disruptive. In summary, the available evidence is currently insufficient to determine the role of this variant in disease. Therefore, it has been classified as a Variant of Uncertain Significance. ClinVar contains an entry for this variant (Variation ID: 571822). This variant has not been reported in the literature in individuals affected with LAMB2-related conditions. This variant is present in population databases (rs368339529, gnomAD 0.02%). This sequence change replaces glutamic acid, which is acidic and polar, with lysine, which is basic and polar, at codon 216 of the LAMB2 protein (p.Glu216Lys).

NM_002292.4(LAMB2):c.646G>A (p.Glu216Lys)

Gene: LAMB2 (laminin subunit beta 2; minus strand). Cytogenetic location: 3p21.31.
Variant type: single nucleotide variant.
Coding change: c.646G>A on transcript NM_002292.4 (MANE Select); coding-DNA position 646, G replaced by A.
Protein change: p.Glu216Lys; replaces glutamic acid 216 with lysine.
Molecular consequence: missense variant.
Genome position (GRCh38, 1-based): chr3:49,131,537, C>T on the plus strand (G>A on the coding strand, the complement: LAMB2 is on the minus strand). VCF-style: chr3-49131537-C-T. GRCh37 (hg19) VCF-style: chr3-49168970-C-T.
Other names: short protein forms E216K.
Identifiers: ClinVar variation 571822 (VCV000571822.5), dbSNP rs368339529, ClinGen allele CA2394877.